The following is an entry in ClinVar:

NM_004360.5(CDH1):c.497del (p.Asn166fs)

Gene: CDH1 (cadherin 1; plus strand). Cytogenetic location: 16q22.1.
Variant type: Deletion.
Coding change: c.497del on transcript NM_004360.5 (MANE Select); coding-DNA position 497, one base deleted (A; older notation c.497delA).
Protein change: p.Asn166fs; shifts the reading frame from asparagine 166.
Molecular consequence: frameshift variant. On other transcripts: 5 prime UTR variant (2).
Genome position (GRCh38, 1-based): chr16:68,808,533, A deleted; the last of 4 consecutive A bases (chr16:68,808,530-68,808,533); deleting any one gives the same sequence. VCF-style (leftmost placement, unchanged base first): chr16-68808529-GA-G. GRCh37 (hg19) VCF-style: chr16-68842432-GA-G.
Other names: c.497del, p.Asn166fs (NM_001317184.2); c.-1119del (NM_001317185.2); c.-1323del (NM_001317186.2); short protein forms N166fs.
Identifiers: ClinVar variation 2692688 (VCV002692688.3), dbSNP rs2543914878, ClinGen allele CA645596605.

ClinVar aggregate classification (germline): Pathogenic (1 of 4 stars; one submission).

Conditions:
Hereditary diffuse gastric adenocarcinoma (HDGC). Also called: DIFFUSE GASTRIC AND LOBULAR BREAST CANCER SYNDROME. Identifiers: Orphanet 26106, MedGen C1708349, MONDO:0007648, OMIM 137215.

Submission:

Labcorp Genetics (formerly Invitae), Labcorp
Classification: Pathogenic for Hereditary diffuse gastric adenocarcinoma. Last evaluated: 2025-06-27. Review status: criteria provided, single submitter. Criteria: Invitae Variant Classification Sherloc (09022015). Collection method: clinical testing. Allele origin: germline.
Comment: This sequence change creates a premature translational stop signal (p.Asn166Metfs*49) in the CDH1 gene. It is expected to result in an absent or disrupted protein product. Loss-of-function variants in CDH1 are known to be pathogenic (PMID: 15235021, 20373070). This variant is not present in population databases (gnomAD no frequency). This variant has not been reported in the literature in individuals affected with CDH1-related conditions. ClinVar contains an entry for this variant (Variation ID: 2692688). For these reasons, this variant has been classified as Pathogenic.

Literature cited by the submitters: PubMed 15235021; PubMed 20373070.